The following is an entry in ClinVar:

NM_024422.6(DSC2):c.346C>G (p.Gln116Glu)

Gene: DSC2 (desmocollin 2; minus strand). Cytogenetic location: 18q12.1.
Variant type: single nucleotide variant.
Coding change: c.346C>G on transcript NM_024422.6 (MANE Select); coding-DNA position 346, C replaced by G.
Protein change: p.Gln116Glu; replaces glutamine 116 with glutamic acid.
Molecular consequence: missense variant.
Genome position (GRCh38, 1-based): chr18:31,092,109, G>C on the plus strand (C>G on the coding strand, the complement: DSC2 is on the minus strand). VCF-style: chr18-31092109-G-C. GRCh37 (hg19) VCF-style: chr18-28672072-G-C.
Other names: c.346C>G, p.Gln116Glu (NM_004949.5); short protein forms Q116E.
Identifiers: ClinVar variation 891404 (VCV000891404.5), dbSNP rs1987619959, ClinGen allele CA402114570.

ClinVar aggregate classification (germline): Uncertain significance. Review status: criteria provided, multiple submitters, no conflicts (2 of 4 stars). 2 submissions from 2 submitters: Uncertain significance (2). Last evaluated 2025-01-13.

Conditions:
Cardiovascular phenotype. Identifiers: MedGen CN230736.
Arrhythmogenic right ventricular dysplasia 11. Also called: ARRHYTHMOGENIC RIGHT VENTRICULAR DYSPLASIA, FAMILIAL, 11; Arrhythmogenic Right Ventricular Dysplasia/Cardiomyopathy11; Arrhythmogenic right ventricular dysplasia 11 with mild palmoplantar keratoderma and woolly hair. Identifiers: MedGen C1864850, MONDO:0012506, OMIM 610476.

Allele frequency attached by ClinVar (database versions not stated): TOPMed below 0.00001.

Submissions (2):

Ambry Genetics
Classification: Uncertain significance for Cardiovascular phenotype. Last evaluated: 2025-01-13. Review status: criteria provided, single submitter. Criteria: Ambry Variant Classification Scheme 2023. Collection method: clinical testing. Allele origin: germline.
Comment: The p.Q116E variant (also known as c.346C>G), located in coding exon 3 of the DSC2 gene, results from a C to G substitution at nucleotide position 346. The glutamine at codon 116 is replaced by glutamic acid, an amino acid with highly similar properties. This amino acid position is conserved. In addition, this alteration is predicted to be tolerated by in silico analysis. Based on the available evidence, the clinical significance of this variant remains unclear.

Illumina Laboratory Services, Illumina
Classification: Uncertain significance for Arrhythmogenic right ventricular dysplasia 11. Last evaluated: 2018-01-13. Review status: criteria provided, single submitter. Criteria: ICSL Variant Classification Criteria 13 December 2019. Collection method: clinical testing. Allele origin: germline.